The following is an entry in ClinVar:

ClinVar aggregate classification (germline): Conflicting classifications of pathogenicity. Review status: criteria provided, conflicting classifications (1 of 4 stars). 11 submissions from 7 submitters: Uncertain significance (8); Likely benign (3). Last evaluated 2025-01-03.

Conditions:
Autosomal recessive limb-girdle muscular dystrophy type 2J (LGMDR10). Also called: Limb-girdle muscular dystrophy, type 2J; MUSCULAR DYSTROPHY, LIMB-GIRDLE, AUTOSOMAL RECESSIVE 10. Identifiers: Orphanet 140922, MedGen C1837342, MONDO:0012127, OMIM 608807.
Dilated cardiomyopathy 1G (CMD1G). Identifiers: Orphanet 154, MedGen C1858763, MONDO:0011400, OMIM 604145.
Tibial muscular dystrophy (TMD). Also called: UDD MYOPATHY; Tibial muscular dystrophy, tardive; Udd Distal Myopathy – Tibial Muscular Dystrophy. Identifiers: Orphanet 609, MedGen C1838244, MONDO:0010870, OMIM 600334.
Cardiomyopathy (CMYO). Also called: Cardiomyopathies. Identifiers: Orphanet 167848, MedGen C0878544, MONDO:0004994, HP:0001638. Inheritance: Various modes of inheritance.
Early-onset myopathy with fatal cardiomyopathy (CMYO5). Also called: Salih Myopathy; CONGENITAL MYOPATHY 5 WITH CARDIOMYOPATHY. Identifiers: Orphanet 289377, MedGen C2673677, MONDO:0012714, OMIM 611705. Disease mechanism: loss of function.
Myopathy, myofibrillar, 9, with early respiratory failure (MFM9). Also called: EDSTROM MYOPATHY; MYOPATHY, PROXIMAL, WITH EARLY RESPIRATORY MUSCLE INVOLVEMENT; Hereditary myopathy with early respiratory failure; Myopathy, distal, with early respiratory failure, autosomal dominant. Identifiers: Orphanet 178464, Orphanet 34521, MedGen C1863599, MONDO:0011362, OMIM 603689.

Allele frequency attached by ClinVar (database versions not stated): ExAC 0.00002; gnomAD 0.00004; gnomAD exomes 0.00004 and 0.00010; TOPMed 0.00005; ESP Exome Variant Server 0.00008.
gnomAD v4.1: 143 of 1,613,224 alleles (0.0089%); highest among the groups gnomAD compares: Non-Finnish European, 0.012%; no homozygotes.

Submissions (11):

Revvity Omics, Revvity
Classification: Uncertain significance. Last evaluated: 2025-01-03. Review status: criteria provided, single submitter. Criteria: ACMG Guidelines, 2015. Collection method: clinical testing. Allele origin: germline.

Clinical Genetics Laboratory, Skane University Hospital Lund
Classification: Uncertain significance. Last evaluated: 2022-11-09. Review status: criteria provided, single submitter. Criteria: ACMG Guidelines, 2015. Collection method: clinical testing. Allele origin: germline. Affected: yes.

Athena Diagnostics
Classification: Uncertain significance. Last evaluated: 2020-09-21. Review status: criteria provided, single submitter. Criteria: Athena Diagnostics criteria. Collection method: clinical testing. Allele origin: unknown.

GeneDx
Classification: Likely benign. Last evaluated: 2020-07-17. Review status: criteria provided, single submitter. Criteria: GeneDx Variant Classification Process June 2021. Collection method: clinical testing. Allele origin: germline. Affected: yes.

CHEO Genetics Diagnostic Laboratory, Children's Hospital of Eastern Ontario
Classification: Uncertain significance for Cardiomyopathy. Last evaluated: 2018-06-14. Review status: criteria provided, single submitter. Criteria: ACMG Guidelines, 2015. Collection method: clinical testing. Allele origin: germline.

Illumina Laboratory Services, Illumina
Classification: Uncertain significance for Early-onset myopathy with fatal cardiomyopathy. Last evaluated: 2018-01-13. Review status: criteria provided, single submitter. Criteria: ICSL Variant Classification Criteria 13 December 2019. Collection method: clinical testing. Allele origin: germline.

Illumina Laboratory Services, Illumina
Classification: Uncertain significance for Dilated cardiomyopathy 1G. Last evaluated: 2018-01-13. Review status: criteria provided, single submitter. Criteria: ICSL Variant Classification Criteria 13 December 2019. Collection method: clinical testing. Allele origin: germline.

Illumina Laboratory Services, Illumina
Classification: Likely benign for Myopathy, myofibrillar, 9, with early respiratory failure. Last evaluated: 2018-01-13. Review status: criteria provided, single submitter. Criteria: ICSL Variant Classification Criteria 13 December 2019. Collection method: clinical testing. Allele origin: germline.
Comment: This variant was observed in the ICSL laboratory as part of a predisposition screen in an ostensibly healthy population. It had not been previously curated by ICSL or reported in the Human Gene Mutation Database (HGMD: prior to June 1st, 2018), and was therefore a candidate for classification through an automated scoring system. Utilizing variant allele frequency, disease prevalence and penetrance estimates, and inheritance mode, an automated score was calculated to assess if this variant is too frequent to cause the disease. Based on the score and internal cut-off values, a variant classified as likely benign is not then subjected to further curation. The score for this variant resulted in a classification of likely benign for this disease.

Illumina Laboratory Services, Illumina
Classification: Uncertain significance for Autosomal recessive limb-girdle muscular dystrophy type 2J. Last evaluated: 2018-01-13. Review status: criteria provided, single submitter. Criteria: ICSL Variant Classification Criteria 13 December 2019. Collection method: clinical testing. Allele origin: germline.

Illumina Laboratory Services, Illumina
Classification: Likely benign for Tibial muscular dystrophy. Last evaluated: 2018-01-13. Review status: criteria provided, single submitter. Criteria: ICSL Variant Classification Criteria 13 December 2019. Collection method: clinical testing. Allele origin: germline.
Comment: the same text as in the submission from Illumina Laboratory Services, Illumina above.

Labcorp Genetics (formerly Invitae), Labcorp
Classification: Uncertain significance for Dilated cardiomyopathy 1G; Autosomal recessive limb-girdle muscular dystrophy type 2J. Last evaluated: 2017-03-30. Review status: criteria provided, single submitter. Criteria: Invitae Variant Classification Sherloc (09022015). Collection method: clinical testing. Allele origin: germline.

NM_001267550.2(TTN):c.67210G>A (p.Val22404Met)

Genes: TTN (titin; minus strand), TTN-AS1 (TTN antisense RNA 1; plus strand). Cytogenetic location: 2q31.2.
Variant type: single nucleotide variant.
Coding change: c.67210G>A on transcript NM_001267550.2 (MANE Select); coding-DNA position 67210, G replaced by A.
Protein change: p.Val22404Met; replaces valine 22404 with methionine.
Molecular consequence: missense variant.
Genome position (GRCh38, 1-based): chr2:178,580,077, C>T on the plus strand (G>A on the coding strand, the complement: TTN is on the minus strand). VCF-style: chr2-178580077-C-T. GRCh37 (hg19) VCF-style: chr2-179444804-C-T.
Other names: c.62287G>A, p.Val20763Met (NM_001256850.1); c.40015G>A, p.Val13339Met (NM_003319.4); c.59506G>A, p.Val19836Met (NM_133378.4); c.40390G>A, p.Val13464Met (NM_133432.3); c.40591G>A, p.Val13531Met (NM_133437.4); c.67210G>A (NM_001267550.1); short protein forms V22404M, V13339M, V13464M, V13531M, V19836M, V20763M.
Identifiers: ClinVar variation 467400 (VCV000467400.15), dbSNP rs369257896, ClinGen allele CA1991353.
Genomic context (GRCh38, chr2:178,580,077, plus strand): 5'-AGGATTTTCCCTCCTCCAAATTAGCTACTCTGAAGCTTGTTTTGGAGCACTCAGTTGTCA[C>T]TGTAGACCAGGATTTCCTCTCTGCATCACGTTTTTGTACCACATAGTTTATGATGGGGCT-3'
Protein context (NP_001254479.2, residues 22394-22414): RDAERKSWST[Val22404Met]TTECSKTSFR